The following is an entry in ClinVar:

ClinVar aggregate classification (germline): Uncertain significance (1 of 4 stars; one submission).

Conditions:
Koolen-de Vries syndrome (KDVS). Identifiers: Orphanet 96169, MedGen C1864871, MONDO:0012496, OMIM 610443.

Submission:

Labcorp Genetics (formerly Invitae), Labcorp
Classification: Uncertain significance for Koolen-de Vries syndrome. Last evaluated: 2024-07-15. Review status: criteria provided, single submitter. Criteria: Invitae Variant Classification Sherloc (09022015). Collection method: clinical testing. Allele origin: germline.
Comment: This sequence change replaces arginine, which is basic and polar, with proline, which is neutral and non-polar, at codon 742 of the KANSL1 protein (p.Arg742Pro). This variant is not present in population databases (gnomAD no frequency). This variant has not been reported in the literature in individuals affected with KANSL1-related conditions. Advanced modeling of protein sequence and biophysical properties (such as structural, functional, and spatial information, amino acid conservation, physicochemical variation, residue mobility, and thermodynamic stability) performed at Invitae indicates that this missense variant is not expected to disrupt KANSL1 protein function with a negative predictive value of 80%. In summary, the available evidence is currently insufficient to determine the role of this variant in disease. Therefore, it has been classified as a Variant of Uncertain Significance.

NM_015443.4(KANSL1):c.2225G>C (p.Arg742Pro)

Gene: KANSL1 (KAT8 regulatory NSL complex subunit 1). Cytogenetic location: 17q21.31.
Variant type: single nucleotide variant.
Coding change: c.2225G>C on transcript NM_015443.4 (MANE Select); coding-DNA position 2225, G replaced by C.
Protein change: p.Arg742Pro; replaces arginine 742 with proline.
Molecular consequence: missense variant. On other transcripts: intron variant (8).
Genome position (GRCh38, 1-based): chr17:46,039,194, C>G on the plus strand (G>C on the coding strand, the complement: KANSL1 is on the minus strand). VCF-style: chr17-46039194-C-G. GRCh37 (hg19) VCF-style: chr17-44116560-C-G.
Other names: c.2225G>C, p.Arg742Pro (NM_001193465.2, NM_001193466.2, NM_001379198.1 and 8 more transcripts); c.2123G>C, p.Arg708Pro (NM_001405859.1, NM_001405860.1, NM_001405861.1 and 1 more transcripts); c.959G>C, p.Arg320Pro (NM_001405882.1, NM_001405883.1); c.937+508G>C (NM_001405885.1, NM_001405884.1); c.2203+508G>C (NM_001405879.1, NM_001405875.1, NM_001405878.1 and 3 more transcripts); short protein forms R708P, R320P, R742P.
Identifiers: ClinVar variation 2981052 (VCV002981052.3), dbSNP rs752047149, ClinGen allele CA399981418.